The following is an entry in ClinVar:

NM_001943.5(DSG2):c.862G>C (p.Val288Leu)

Gene: DSG2 (desmoglein 2; plus strand). Cytogenetic location: 18q12.1.
Variant type: single nucleotide variant.
Coding change: c.862G>C on transcript NM_001943.5 (MANE Select); coding-DNA position 862, G replaced by C.
Protein change: p.Val288Leu; replaces valine 288 with leucine.
Molecular consequence: missense variant.
Genome position (GRCh38, 1-based): chr18:31,524,736, G>C. VCF-style: chr18-31524736-G-C. GRCh37 (hg19) VCF-style: chr18-29104699-G-C.
Other names: short protein forms V288L.
Identifiers: ClinVar variation 927920 (VCV000927920.3), dbSNP rs780374242, ClinGen allele CA402135482.

ClinVar aggregate classification (germline): Uncertain significance (1 of 4 stars; one submission).

Conditions:
Cardiomyopathy (CMYO). Also called: Cardiomyopathies. Identifiers: Orphanet 167848, MedGen C0878544, MONDO:0004994, HP:0001638. Inheritance: Various modes of inheritance.

gnomAD v4.1: 2 of 1,614,030 alleles (0.00012%); highest among the groups gnomAD compares: South Asian, 0.0011%; no homozygotes.

Submission:

Color Diagnostics, LLC DBA Color Health
Classification: Uncertain significance for Cardiomyopathy. Last evaluated: 2019-10-08. Review status: criteria provided, single submitter. Criteria: ACMG Guidelines, 2015. Collection method: clinical testing. Allele origin: germline.
Comment: This missense variant replaces valine with leucine at codon 288 of the DSG2 protein. Computational prediction tool suggests that this variant may not impact protein structure and function (internally defined REVEL score threshold ≤0.5, PMID: 27666373). Splice site prediction tools suggest that this variant may not impact RNA splicing. To our knowledge, functional studies have not been performed for this variant. This variant has not been reported in individuals affected with cardiovascular disorders in the literature. This variant has been identified in 1/31412 chromosomes in the general population by the Genome Aggregation Database (gnomAD). The available evidence is insufficient to determine the role of this variant in disease conclusively. Therefore, this variant is classified as a Variant of Uncertain Significance.